The following is an entry in ClinVar:

ClinVar aggregate classification (germline): Likely benign (1 of 4 stars; one submission).

gnomAD v4.1: 28 of 1,209,347 alleles (0.0023%); highest among the groups gnomAD compares: East Asian, 0.024%; no homozygotes.

Submission:

CeGaT Center for Human Genetics Tuebingen
Classification: Likely benign. Last evaluated: 2025-10-01. Review status: criteria provided, single submitter. Criteria: CeGaT Center For Human Genetics Tuebingen Variant Classification Criteria Version 2. Collection method: clinical testing. Allele origin: germline. Affected: yes. Observed: 1 variant allele.
Comment: SSR4: BP4, BP7

NM_006280.3(SSR4):c.141C>T (p.Thr47=)

Gene: SSR4 (signal sequence receptor subunit 4; plus strand). Cytogenetic location: Xq28.
Variant type: single nucleotide variant.
Coding change: c.141C>T on transcript NM_006280.3 (MANE Select); coding-DNA position 141, C replaced by T.
Protein change: p.Thr47=; no amino-acid change (threonine 47 retained).
Molecular consequence: synonymous variant. On other transcripts: non-coding transcript variant (1).
Genome position (GRCh38, 1-based): chrX:153,796,507, C>T. VCF-style: chrX-153796507-C-T. GRCh37 (hg19) VCF-style: chrX-153061962-C-T.
Other names: c.174C>T, p.Thr58= (NM_001204526.2); c.165C>T, p.Thr55= (NM_001204527.2); c.222C>T, p.Thr74= (NM_001440795.1); c.141C>T, p.Thr47= (NM_001440796.1).
Identifiers: ClinVar variation 4534463 (VCV004534463.6).